The following is an entry in ClinVar:

ClinVar aggregate classification (germline): Uncertain significance (1 of 4 stars; one submission).

gnomAD v4.1: 6 of 1,369,078 alleles (0.00044%); highest among the groups gnomAD compares: Non-Finnish European, 0.00056%; no homozygotes.

Submission:

CeGaT Center for Human Genetics Tuebingen
Classification: Uncertain significance. Last evaluated: 2026-09-01. Review status: criteria provided, single submitter. Criteria: CeGaT Center For Human Genetics Tuebingen Variant Classification Criteria Version 2. Collection method: clinical testing. Allele origin: germline. Affected: yes. Observed: 1 variant allele.
Comment: TBX2: PP2

NM_005994.4(TBX2):c.1580G>A (p.Gly527Glu)

Gene: TBX2 (T-box transcription factor 2; plus strand). Cytogenetic location: 17q23.2.
Variant type: single nucleotide variant.
Coding change: c.1580G>A on transcript NM_005994.4 (MANE Select); coding-DNA position 1580, G replaced by A.
Protein change: p.Gly527Glu; replaces glycine 527 with glutamic acid.
Molecular consequence: missense variant.
Genome position (GRCh38, 1-based): chr17:61,405,730, G>A. VCF-style: chr17-61405730-G-A. GRCh37 (hg19) VCF-style: chr17-59483091-G-A.
Other names: short protein forms G527E.
Identifiers: ClinVar variation 5041443 (VCV005041443.1).